The following is an entry in ClinVar:

NM_004415.4(DSP):c.859A>G (p.Asn287Asp)

Gene: DSP (desmoplakin; plus strand). Cytogenetic location: 6p24.3.
Variant type: single nucleotide variant.
Coding change: c.859A>G on transcript NM_004415.4 (MANE Select); coding-DNA position 859, A replaced by G.
Protein change: p.Asn287Asp; replaces asparagine 287 with aspartic acid.
Molecular consequence: missense variant.
Genome position (GRCh38, 1-based): chr6:7,565,440, A>G. VCF-style: chr6-7565440-A-G. GRCh37 (hg19) VCF-style: chr6-7565673-A-G.
Other names: c.859A>G, p.Asn287Asp (NM_001008844.3, NM_001319034.2, NM_001406591.1); short protein forms N287D.
Identifiers: ClinVar variation 3759100 (VCV003759100.2).
Genomic context (GRCh38, chr6:7,565,440, plus strand): 5'-GATCACCTGCGACAGCTGCAGAACATCATTCAGGCCACGTCCAGGGAGATCATGTGGATC[A>G]ATGACTGCGAGGAGGAGGAGCTGCTGTACGACTGGAGCGACAAGAACACCAACATCGCTC-3'
Protein context (NP_004406.2, residues 277-297): QATSREIMWI[Asn287Asp]DCEEEELLYD

ClinVar aggregate classification (germline): Uncertain significance (1 of 4 stars; one submission).

Conditions:
Arrhythmogenic cardiomyopathy with wooly hair and keratoderma. Also called: PALMOPLANTAR KERATODERMA WITH LEFT VENTRICULAR CARDIOMYOPATHY AND WOOLLY HAIR; Carvajal syndrome; Dilated cardiomyopathy with woolly hair and keratoderma; Arrhythmogenic cardiomyopathy with woolly hair and keratoderma. Identifiers: Orphanet 65282, MedGen C1854063, MONDO:0011581, OMIM 605676.
Arrhythmogenic right ventricular dysplasia 8 (ARVD8). Also called: Arrhythmogenic Right Ventricular Dysplasia/Cardiomyopathy 8; ARRHYTHMOGENIC RIGHT VENTRICULAR DYSPLASIA, FAMILIAL, 8; ARRHYTHMOGENIC RIGHT VENTRICULAR CARDIOMYOPATHY 8. Identifiers: MedGen C1843896, MONDO:0011831, OMIM 607450.

Submission:

Labcorp Genetics (formerly Invitae), Labcorp
Classification: Uncertain significance for Arrhythmogenic cardiomyopathy with wooly hair and keratoderma; Arrhythmogenic right ventricular dysplasia 8. Last evaluated: 2024-07-01. Review status: criteria provided, single submitter. Criteria: Invitae Variant Classification Sherloc (09022015). Collection method: clinical testing. Allele origin: germline.
Comment: This sequence change replaces asparagine, which is neutral and polar, with aspartic acid, which is acidic and polar, at codon 287 of the DSP protein (p.Asn287Asp). This variant is not present in population databases (gnomAD no frequency). This missense change has been observed in individual(s) with DSP-related conditions (PMID: 27532257, 37652022). An algorithm developed to predict the effect of missense changes on protein structure and function (PolyPhen-2) suggests that this variant is likely to be disruptive. This variant disrupts the p.Asn287 amino acid residue in DSP. Other variant(s) that disrupt this residue have been determined to be pathogenic (PMID: 11841538, 25225338, 25765472). This suggests that this residue is clinically significant, and that variants that disrupt this residue are likely to be disease-causing. In summary, the available evidence is currently insufficient to determine the role of this variant in disease. Therefore, it has been classified as a Variant of Uncertain Significance.

Literature cited by the submitters: PubMed 27532257; PubMed 37652022; PubMed 11841538; PubMed 25225338; PubMed 25765472.